The following is an entry in ClinVar:

NM_001037333.3(CYFIP2):c.968C>T (p.Ala323Val)

Gene: CYFIP2 (cytoplasmic FMR1 interacting protein 2; plus strand). Cytogenetic location: 5q33.3.
Variant type: single nucleotide variant.
Coding change: c.968C>T on transcript NM_001037333.3 (MANE Select); coding-DNA position 968, C replaced by T.
Protein change: p.Ala323Val; replaces alanine 323 with valine.
Molecular consequence: missense variant.
Genome position (GRCh38, 1-based): chr5:157,309,810, C>T. VCF-style: chr5-157309810-C-T. GRCh37 (hg19) VCF-style: chr5-156736818-C-T.
Other names: c.890C>T, p.Ala297Val (NM_001291721.2); c.968C>T, p.Ala323Val (NM_001291722.2, NM_014376.4); short protein forms A297V, A323V.
Identifiers: ClinVar variation 2831044 (VCV002831044.3), dbSNP rs2532346071, ClinGen allele CA361967831.

ClinVar aggregate classification (germline): Uncertain significance (1 of 4 stars; one submission).

Submission:

Labcorp Genetics (formerly Invitae), Labcorp
Classification: Uncertain significance. Last evaluated: 2023-01-22. Review status: criteria provided, single submitter. Criteria: Invitae Variant Classification Sherloc (09022015). Collection method: clinical testing. Allele origin: germline.
Comment: In summary, the available evidence is currently insufficient to determine the role of this variant in disease. Therefore, it has been classified as a Variant of Uncertain Significance. Algorithms developed to predict the effect of missense changes on protein structure and function are either unavailable or do not agree on the potential impact of this missense change (SIFT: "Tolerated"; PolyPhen-2: "Not Available"; Align-GVGD: "Class C0"). This variant has not been reported in the literature in individuals affected with CYFIP2-related conditions. This variant is not present in population databases (gnomAD no frequency). This sequence change replaces alanine, which is neutral and non-polar, with valine, which is neutral and non-polar, at codon 323 of the CYFIP2 protein (p.Ala323Val).